The following is an entry in ClinVar:

NM_006005.3(WFS1):c.*47T>C

Gene: WFS1 (wolframin ER transmembrane glycoprotein; plus strand). Cytogenetic location: 4p16.1.
Variant type: single nucleotide variant.
Coding change: c.*47T>C on transcript NM_006005.3 (MANE Select); 47 bases downstream of the stop codon, T replaced by C.
Molecular consequence: 3 prime UTR variant.
Genome position (GRCh38, 1-based): chr4:6,302,515, T>C. VCF-style: chr4-6302515-T-C. GRCh37 (hg19) VCF-style: chr4-6304242-T-C.
Other names: c.*47T>C (NM_001145853.1).
Identifiers: ClinVar variation 349332 (VCV000349332.12), dbSNP rs1046317, ClinGen allele CA2839850.
Genomic context (GRCh38, chr4:6,302,515, plus strand): 5'-TGTCGGCGGCCTGAGGATGGTCCGCCACGAGGAGCTTCCAGTGCATGTTGCCATGAGGCC[T>C]TTCCCCAGTGTGGCCCCAGCCCGACAGGCATGCACCAGTGCCGCCTGTGCCCACGTGTGC-3'

ClinVar aggregate classification (germline): Benign. Review status: criteria provided, multiple submitters, no conflicts (2 of 4 stars). 5 submissions from 4 submitters: Benign (5). Last evaluated 2018-06-14.

Conditions:
Autosomal dominant nonsyndromic hearing loss 6 (LFSNHL). Also called: DEAFNESS, AUTOSOMAL DOMINANT 6; DEAFNESS, AUTOSOMAL DOMINANT 14; DEAFNESS, AUTOSOMAL DOMINANT 38; Autosomal dominant nonsyndromic deafness 6; DIDMOAD (Diabetes Insipidus, Diabetes Mellitus, Optic Atrophy, and Deafness). Identifiers: Orphanet 90635, MedGen C1833021, MONDO:0010963, OMIM 600965.
WFS1-Related Spectrum Disorders.

Allele frequency attached by ClinVar (database versions not stated): gnomAD exomes 0.69628 and 0.72800; gnomAD 0.71708 and 0.72247; ESP Exome Variant Server 0.71782; ExAC 0.72475; TOPMed 0.73713; 1000 Genomes Project 0.78375; 1000 Genomes Project 30x 0.78654.
gnomAD v4.1: 1,124,262 of 1,607,056 alleles (70%); highest among the groups gnomAD compares: East Asian, 96%; 396,569 homozygotes.

Submissions (5):

GeneDx
Classification: Benign. Last evaluated: 2018-06-14. Review status: criteria provided, single submitter. Criteria: GeneDx Variant Classification Process June 2021. Collection method: clinical testing. Allele origin: germline. Affected: yes.
Comment: This variant is associated with the following publications: (PMID: 25814643)

Illumina Laboratory Services, Illumina
Classification: Benign for Autosomal dominant nonsyndromic hearing loss 6. Last evaluated: 2018-01-12. Review status: criteria provided, single submitter. Criteria: ICSL Variant Classification Criteria 13 December 2019. Collection method: clinical testing. Allele origin: germline.
Comment: This variant was observed in the ICSL laboratory as part of a predisposition screen in an ostensibly healthy population. It had not been previously curated by ICSL or reported in the Human Gene Mutation Database (HGMD: prior to June 1st, 2018), and was therefore a candidate for classification through an automated scoring system. Utilizing variant allele frequency, disease prevalence and penetrance estimates, and inheritance mode, an automated score was calculated to assess if this variant is too frequent to cause the disease. Based on the score and internal cut-off values, a variant classified as benign is not then subjected to further curation. The score for this variant resulted in a classification of benign for this disease.

Illumina Laboratory Services, Illumina
Classification: Benign for WFS1-Related Spectrum Disorders. Last evaluated: 2018-01-12. Review status: criteria provided, single submitter. Criteria: ICSL Variant Classification Criteria 13 December 2019. Collection method: clinical testing. Allele origin: germline.
Comment: the same text as in the submission from Illumina Laboratory Services, Illumina above.

Eurofins Ntd Llc (ga)
Classification: Benign. Last evaluated: 2017-09-28. Review status: criteria provided, single submitter. Criteria: EGL Classification Definitions 2015. Collection method: clinical testing. Allele origin: germline. Observed: 1 variant allele, 1 homozygote.

Breakthrough Genomics
Classification: Benign. Review status: criteria provided, single submitter. Criteria: ACMG Guidelines, 2015. Collection method: not provided. Allele origin: germline. Inheritance: Autosomal recessive inheritance. Affected: yes.